The following is an entry in ClinVar:

ClinVar aggregate classification (germline): Uncertain significance. Review status: criteria provided, multiple submitters, no conflicts (2 of 4 stars). 2 submissions from 2 submitters: Uncertain significance (2). Last evaluated 2025-04-25.

Conditions:
Hereditary cancer-predisposing syndrome. Also called: Hereditary Cancer Syndrome; Hereditary neoplastic syndrome; Neoplastic Syndromes, Hereditary; Tumor predisposition. Identifiers: Orphanet 140162, MedGen C0027672, MeSH D009386, MONDO:0015356.
Multiple endocrine neoplasia, type 1 (MEN1). Also called: MEN I; WERMER SYNDROME; Endocrine adenomatosis multiple; MEN 1; MEA I. Identifiers: Orphanet 652, MedGen C0025267, MeSH D018761, MONDO:0007540, OMIM 131100.

Submissions (2):

Ambry Genetics
Classification: Uncertain significance for Hereditary cancer-predisposing syndrome. Last evaluated: 2025-04-25. Review status: criteria provided, single submitter. Criteria: Ambry Variant Classification Scheme 2023. Collection method: clinical testing. Allele origin: germline.
Comment: The p.T552P variant (also known as c.1654A>C), located in coding exon 9 of the MEN1 gene, results from an A to C substitution at nucleotide position 1654. The threonine at codon 552 is replaced by proline, an amino acid with highly similar properties. This amino acid position is conserved. In addition, this alteration is predicted to be deleterious by in silico analysis. Based on the available evidence, the clinical significance of this variant remains unclear.

Labcorp Genetics (formerly Invitae), Labcorp
Classification: Uncertain significance for Multiple endocrine neoplasia, type 1. Last evaluated: 2025-04-10. Review status: criteria provided, single submitter. Criteria: Invitae Variant Classification Sherloc (09022015). Collection method: clinical testing. Allele origin: germline.
Comment: This sequence change replaces threonine, which is neutral and polar, with proline, which is neutral and non-polar, at codon 552 of the MEN1 protein (p.Thr552Pro). This variant is not present in population databases (gnomAD no frequency). This variant has not been reported in the literature in individuals affected with MEN1-related conditions. ClinVar contains an entry for this variant (Variation ID: 3634186). Invitae Evidence Modeling of protein sequence and biophysical properties (such as structural, functional, and spatial information, amino acid conservation, physicochemical variation, residue mobility, and thermodynamic stability) indicates that this missense variant is expected to disrupt MEN1 protein function with a positive predictive value of 80%. In summary, the available evidence is currently insufficient to determine the role of this variant in disease. Therefore, it has been classified as a Variant of Uncertain Significance.

NM_001370259.2(MEN1):c.1654A>C (p.Thr552Pro)

Gene: MEN1 (menin 1; minus strand). Cytogenetic location: 11q13.1.
Variant type: single nucleotide variant.
Coding change: c.1654A>C on transcript NM_001370259.2 (MANE Select); coding-DNA position 1654, A replaced by C.
Protein change: p.Thr552Pro; replaces threonine 552 with proline.
Molecular consequence: missense variant. On other transcripts: non-coding transcript variant (4).
Genome position (GRCh38, 1-based): chr11:64,804,513, T>G on the plus strand (A>C on the coding strand, the complement: MEN1 is on the minus strand). VCF-style: chr11-64804513-T-G. GRCh37 (hg19) VCF-style: chr11-64571985-T-G.
Other names: c.1549A>C, p.Thr517Pro (NM_001370263.2, NM_001407148.1, NM_001407149.1 and 1 more transcripts); c.1780A>C, p.Thr594Pro (NM_001407142.1, NM_001407143.1, NM_001407144.1 and 1 more transcripts); c.1669A>C, p.Thr557Pro (NM_001407145.1, NM_130800.3, NM_130801.3 and 4 more transcripts); c.1654A>C, p.Thr552Pro (NM_001407146.1, NM_001407147.1, NM_130799.3 and 2 more transcripts); c.1795A>C, p.Thr599Pro (NM_001407150.1); c.1675A>C, p.Thr559Pro (NM_001407151.1); c.1489A>C, p.Thr497Pro (NM_001407152.1); short protein forms T599P, T517P, T552P, T559P, T594P, T497P, T557P.
Identifiers: ClinVar variation 3634186 (VCV003634186.3).
Genomic context (GRCh38, chr11:64,804,513, plus strand): 5'-AGTTGATCTTGGTGGCCACCAGCAGCTCCTTCATGCCCTTCATCTTCTCACTCTGGAAAG[T>G]GAGCACTGGACCCTCCGGCGGTGGTGATGCTGTGGGTGCTGGCACCTGAGCCGTGCTGCC-3'
Protein context (NP_001357188.2, residues 542-562): ASPPPEGPVL[Thr552Pro]FQSEKMKGMK